The following is an entry in ClinVar:

NM_024496.4(IRF2BPL):c.1417C>T (p.Leu473=)

Gene: IRF2BPL (interferon regulatory factor 2 binding protein like; minus strand). Cytogenetic location: 14q24.3.
Variant type: single nucleotide variant.
Coding change: c.1417C>T on transcript NM_024496.4 (MANE Select); coding-DNA position 1417, C replaced by T.
Protein change: p.Leu473=; no amino-acid change (leucine 473 retained).
Molecular consequence: synonymous variant.
Genome position (GRCh38, 1-based): chr14:77,026,376, G>A on the plus strand (C>T on the coding strand, the complement: IRF2BPL is on the minus strand). VCF-style: chr14-77026376-G-A. GRCh37 (hg19) VCF-style: chr14-77492719-G-A.
Other names: c.1417C>T (NM_024496.2, NM_024496.3).
Identifiers: ClinVar variation 2644386 (VCV002644386.25), dbSNP rs200593267, ClinGen allele CA7283678.
Genomic context (GRCh38, chr14:77,026,376, plus strand): 5'-CGGCGCCGGGCACGCCCTCCTTGAAGAAGCGCACGGCTTCGGGGAGCAGGTCTCCAAGCA[G>A]GCGCCAGTCCCCGGAGCCGTGCTTCTTTTCGTACTCCAGGTACTTGAAACCCGAGGATAG-3'
Protein context (NP_078772.1, residues 463-483): EKKHGSGDWR[Leu473=]LGDLLPEAVR

ClinVar aggregate classification (germline): Likely benign. Review status: criteria provided, multiple submitters, no conflicts (2 of 4 stars). 3 submissions from 3 submitters: Likely benign (3). Last evaluated 2025-12-18.

Conditions:
IRF2BPL-related disorder. Also called: IRF2BPL-related condition. Identifiers: MedGen CN381093.
Inborn genetic diseases. Identifiers: MedGen C0950123, MeSH D030342.

Allele frequency attached by ClinVar (database versions not stated): ExAC 0.00001; gnomAD exomes 0.00002; TOPMed 0.00006; gnomAD 0.00008.

Submissions (3):

PreventionGenetics, part of Exact Sciences
Classification: Likely benign for IRF2BPL-related condition. Last evaluated: 2025-12-18. Review status: criteria provided, single submitter. Criteria: ACMG Guidelines, 2015. Collection method: clinical testing. Allele origin: germline.
Comment: This variant is classified as likely benign based on ACMG/AMP sequence variant interpretation guidelines (Richards et al. 2015 PMID: 25741868, with internal and published modifications).

Ambry Genetics
Classification: Likely benign for Inborn genetic diseases. Last evaluated: 2025-03-24. Review status: criteria provided, single submitter. Criteria: Ambry Variant Classification Scheme 2023. Collection method: clinical testing. Allele origin: germline.

CeGaT Center for Human Genetics Tuebingen
Classification: Likely benign. Last evaluated: 2023-07-01. Review status: criteria provided, single submitter. Criteria: CeGaT Center For Human Genetics Tuebingen Variant Classification Criteria Version 2. Collection method: clinical testing. Allele origin: germline. Affected: yes. Observed: 2 variant alleles.
Comment: IRF2BPL: BP4, BP7